The following is an entry in ClinVar:

NM_001567.4(INPPL1):c.3520C>G (p.Arg1174Gly)

Gene: INPPL1 (inositol polyphosphate phosphatase like 1; plus strand). Cytogenetic location: 11q13.4.
Variant type: single nucleotide variant.
Coding change: c.3520C>G on transcript NM_001567.4 (MANE Select); coding-DNA position 3520, C replaced by G.
Protein change: p.Arg1174Gly; replaces arginine 1174 with glycine.
Molecular consequence: missense variant.
Genome position (GRCh38, 1-based): chr11:72,237,764, C>G. VCF-style: chr11-72237764-C-G. GRCh37 (hg19) VCF-style: chr11-71948808-C-G.
Other names: c.3520C>G (NM_001567.3); short protein forms R1174G.
Identifiers: ClinVar variation 1411119 (VCV001411119.9), dbSNP rs150912074, ClinGen allele CA6170661.

ClinVar aggregate classification (germline): Uncertain significance. Review status: criteria provided, multiple submitters, no conflicts (2 of 4 stars). 2 submissions from 2 submitters: Uncertain significance (2). Last evaluated 2024-06-19.

Conditions:
Inborn genetic diseases. Identifiers: MedGen C0950123, MeSH D030342.

gnomAD v4.1: 18 of 1,610,012 alleles (0.0011%); highest among the groups gnomAD compares: East Asian, 0.0067%; no homozygotes.

Submissions (2):

Ambry Genetics
Classification: Uncertain significance for Inborn genetic diseases. Last evaluated: 2024-06-19. Review status: criteria provided, single submitter. Criteria: Ambry Variant Classification Scheme 2023. Collection method: clinical testing. Allele origin: germline.

Labcorp Genetics (formerly Invitae), Labcorp
Classification: Uncertain significance. Last evaluated: 2022-08-10. Review status: criteria provided, single submitter. Criteria: Invitae Variant Classification Sherloc (09022015). Collection method: clinical testing. Allele origin: germline.
Comment: ClinVar contains an entry for this variant (Variation ID: 1411119). This variant has not been reported in the literature in individuals affected with INPPL1-related conditions. This variant is present in population databases (rs150912074, gnomAD 0.005%). This sequence change replaces arginine, which is basic and polar, with glycine, which is neutral and non-polar, at codon 1174 of the INPPL1 protein (p.Arg1174Gly). Algorithms developed to predict the effect of missense changes on protein structure and function (SIFT, PolyPhen-2, Align-GVGD) all suggest that this variant is likely to be tolerated. In summary, the available evidence is currently insufficient to determine the role of this variant in disease. Therefore, it has been classified as a Variant of Uncertain Significance.